The following is an entry in ClinVar:

ClinVar aggregate classification (germline): Likely benign (1 of 4 stars; one submission).

Conditions:
PLXNA2-related disorder. Also called: PLXNA2-related condition.

gnomAD v4.1: 1 of 1,613,882 alleles (0.000062%); highest among the groups gnomAD compares: African/African-American, 0.0013%; no homozygotes.

Submission:

PreventionGenetics, part of Exact Sciences
Classification: Likely benign for PLXNA2-related condition. Last evaluated: 2026-08-17. Review status: criteria provided, single submitter. Criteria: ACMG Guidelines, 2015. Collection method: clinical testing. Allele origin: germline.
Comment: This variant is classified as likely benign based on ACMG/AMP sequence variant interpretation guidelines (Richards et al. 2015 PMID: 25741868, with internal and published modifications).

NM_025179.4(PLXNA2):c.1317T>A (p.Val439=)

Gene: PLXNA2 (plexin A2; minus strand). Cytogenetic location: 1q32.2.
Variant type: single nucleotide variant.
Coding change: c.1317T>A on transcript NM_025179.4 (MANE Select); coding-DNA position 1317, T replaced by A.
Protein change: p.Val439=; no amino-acid change (valine 439 retained).
Molecular consequence: synonymous variant.
Genome position (GRCh38, 1-based): chr1:208,210,334, A>T on the plus strand (T>A on the coding strand, the complement: PLXNA2 is on the minus strand). VCF-style: chr1-208210334-A-T. GRCh37 (hg19) VCF-style: chr1-208383679-A-T.
Identifiers: ClinVar variation 5002018 (VCV005002018.1).